The following is an entry in ClinVar:

ClinVar aggregate classification (germline): Uncertain significance (1 of 4 stars; one submission).

Conditions:
Familial thoracic aortic aneurysm and aortic dissection (TAAD). Also called: Thoracic aortic aneurysms and dissections. Identifiers: Orphanet 91387, MedGen C4707243, MONDO:0019625.

Submission:

Ambry Genetics
Classification: Uncertain significance for Familial thoracic aortic aneurysm and aortic dissection. Last evaluated: 2017-12-05. Review status: criteria provided, single submitter. Criteria: Ambry Variant Classification Scheme 2023. Collection method: clinical testing. Allele origin: germline.
Comment: The p.N261S variant (also known as c.782A>G), located in coding exon 7 of the FBN1 gene, results from an A to G substitution at nucleotide position 782. The asparagine at codon 261 is replaced by serine, an amino acid with highly similar properties. This amino acid position is not well conserved in available vertebrate species. In addition, this alteration is predicted to be tolerated by in silico analysis. Since supporting evidence is limited at this time, the clinical significance of this alteration remains unclear.

NM_000138.5(FBN1):c.782A>G (p.Asn261Ser)

Gene: FBN1 (fibrillin 1; minus strand). Cytogenetic location: 15q21.1.
Variant type: single nucleotide variant.
Coding change: c.782A>G on transcript NM_000138.5 (MANE Select); coding-DNA position 782, A replaced by G.
Protein change: p.Asn261Ser; replaces asparagine 261 with serine.
Molecular consequence: missense variant.
Genome position (GRCh38, 1-based): chr15:48,534,160, T>C on the plus strand (A>G on the coding strand, the complement: FBN1 is on the minus strand). VCF-style: chr15-48534160-T-C. GRCh37 (hg19) VCF-style: chr15-48826357-T-C.
Other names: short protein forms N261S.
Identifiers: ClinVar variation 519802 (VCV000519802.5), dbSNP rs1555401459, ClinGen allele CA392352628.